The following is an entry in ClinVar:

NM_000444.6(PHEX):c.188-1G>C

Gene: PHEX (phosphate regulating endopeptidase X-linked; plus strand). Cytogenetic location: Xp22.11.
Variant type: single nucleotide variant.
Coding change: c.188-1G>C on transcript NM_000444.6 (MANE Select); the canonical splice acceptor site of the intron before coding-DNA position 188, G replaced by C.
Molecular consequence: splice acceptor variant.
Genome position (GRCh38, 1-based): chrX:22,047,049, G>C. VCF-style: chrX-22047049-G-C. GRCh37 (hg19) VCF-style: chrX-22065167-G-C.
Other names: c.188-1G>C (NM_001282754.2).
Identifiers: ClinVar variation 961838 (VCV000961838.13), dbSNP rs1927567325, ClinGen allele CA412567476.

ClinVar aggregate classification (germline): Pathogenic/Likely pathogenic. Review status: criteria provided, multiple submitters, no conflicts (2 of 4 stars). 3 submissions from 3 submitters: Pathogenic (2); Likely pathogenic (1). Last evaluated 2025-01-22.

Conditions:
Familial X-linked hypophosphatemic vitamin D refractory rickets (XLHRD). Also called: Hypophosphatemic Rickets, X-Linked Dominant; X-Linked Hypophosphatemia; Hypophosphatemia, vitamin D-resistant rickets; Vitamin D-resistant rickets, X-linked; HYPOPHOSPHATEMIC VITAMIN D-RESISTANT RICKETS. Identifiers: Orphanet 89936, MedGen C0733682, MONDO:0010619, OMIM 307800.

Submissions (3):

Women's Health and Genetics/Laboratory Corporation of America, LabCorp
Classification: Likely pathogenic for Familial X-linked hypophosphatemic vitamin D refractory rickets. Last evaluated: 2025-01-22. Review status: criteria provided, single submitter. Criteria: LabCorp Variant Classification Summary - May 2015. Collection method: clinical testing. Allele origin: germline.
Comment: Variant summary: PHEX c.188-1G>C is located in a canonical splice-site and is predicted to affect mRNA splicing resulting in a significantly altered protein due to either exon skipping, shortening, or inclusion of intronic material. Variants that disrupt the consensus splice site are a relatively common cause of aberrant splicing and loss of PHEX function. Several computational tools predict a significant impact on normal splicing: Four predict the variant abolishes the canonical 3' acceptor site. One predict the variant creates a 3' acceptor site. However, these predictions have yet to be confirmed by functional studies. The variant was absent in 183195 control chromosomes. c.188-1G>C has been reported in the literature in at-least one individual affected with X-Linked Hypophosphatemic Rickets (Holm_2001). To our knowledge, no experimental evidence demonstrating an impact on protein function has been reported. The following publications have been ascertained in the context of this evaluation (PMID: 11502829, 30682568). ClinVar contains an entry for this variant (Variation ID: 961838). Based on the evidence outlined above, the variant was classified as likely pathogenic.

Mendelics
Classification: Pathogenic for Familial X-linked hypophosphatemic vitamin D refractory rickets. Last evaluated: 2022-05-04. Review status: criteria provided, single submitter. Criteria: Mendelics Assertion Criteria 2019. Collection method: clinical testing. Allele origin: germline.

Labcorp Genetics (formerly Invitae), Labcorp
Classification: Pathogenic. Last evaluated: 2022-01-14. Review status: criteria provided, single submitter. Criteria: Invitae Variant Classification Sherloc (09022015). Collection method: clinical testing. Allele origin: germline.
Comment: For these reasons, this variant has been classified as Pathogenic. Algorithms developed to predict the effect of sequence changes on RNA splicing suggest that this variant may disrupt the consensus splice site. ClinVar contains an entry for this variant (Variation ID: 961838). This variant is also known as IVS2-1G>C. Disruption of this splice site has been observed in individual(s) with hypophosphatemic rickets (PMID: 11502829). It has also been observed to segregate with disease in related individuals. This variant is not present in population databases (gnomAD no frequency). This sequence change affects an acceptor splice site in intron 2 of the PHEX gene. It is expected to disrupt RNA splicing. Variants that disrupt the donor or acceptor splice site typically lead to a loss of protein function (PMID: 16199547), and loss-of-function variants in PHEX are known to be pathogenic (PMID: 9097956, 9106524, 19219621).

Literature cited by the submitters: PubMed 11502829 (cited by Women's Health and Genetics/Laboratory Corporation of America, LabCorp and Labcorp Genetics (formerly Invitae), Labcorp); PubMed 30682568 (cited by Women's Health and Genetics/Laboratory Corporation of America, LabCorp); PubMed 16199547 (cited by Labcorp Genetics (formerly Invitae), Labcorp); PubMed 9097956 (cited by Labcorp Genetics (formerly Invitae), Labcorp); PubMed 9106524 (cited by Labcorp Genetics (formerly Invitae), Labcorp); PubMed 19219621 (cited by Labcorp Genetics (formerly Invitae), Labcorp).